The following is an entry in ClinVar:

ClinVar aggregate classification (germline): Uncertain significance. Review status: criteria provided, multiple submitters, no conflicts (2 of 4 stars). 3 submissions from 3 submitters: Uncertain significance (3). Last evaluated 2025-08-25.

Conditions:
Epidermolysis bullosa simplex with nail dystrophy (EBS5D). Identifiers: MedGen C4225309, MONDO:0014661, OMIM 616487.
Epidermolysis bullosa simplex 5B, with muscular dystrophy (EBS5B). Also called: EPIDERMOLYSIS BULLOSA SIMPLEX AND LIMB-GIRDLE MUSCULAR DYSTROPHY; Epidermolysis bullosa simplex with muscular dystrophy. Identifiers: Orphanet 257, MedGen C2931072, MONDO:0009181, OMIM 226670.
Epidermolysis bullosa simplex, Ogna type (EBS5A). Also called: Pidermolysis bullosa simplex 5A, Ogna type; EPIDERMOLYSIS BULLOSA SIMPLEX 5A, OGNA TYPE. Identifiers: Orphanet 79401, MedGen C0432317, MONDO:0007555, OMIM 131950.
Autosomal recessive limb-girdle muscular dystrophy type 2Q (LGMDR17). Also called: MUSCULAR DYSTROPHY, LIMB-GIRDLE, AUTOSOMAL RECESSIVE 17. Identifiers: Orphanet 254361, MedGen C3150989, MONDO:0013390, OMIM 613723.
Epidermolysis bullosa simplex 5C, with pyloric atresia (EBS5C). Also called: PLEC-Related Epidermolysis Bullosa with Pyloric Atresia; Epidermolysis bullosa simplex with pyloric atresia; PLEC1-Related Epidermolysis Bullosa with Pyloric Atresia. Identifiers: Orphanet 158684, MedGen C2677349, MONDO:0012807, OMIM 612138.
Inborn genetic diseases. Identifiers: MedGen C0950123, MeSH D030342.

Allele frequency attached by ClinVar (database versions not stated): ExAC 0.00001; gnomAD 0.00004 and 0.00002; 1000 Genomes Project 30x 0.00016; TOPMed 0.00003; gnomAD exomes 0.00003; 1000 Genomes Project 0.00020.
gnomAD v4.1: 47 of 1,610,002 alleles (0.0029%); highest among the groups gnomAD compares: East Asian, 0.0045%; no homozygotes.

Submissions (3):

Labcorp Genetics (formerly Invitae), Labcorp
Classification: Uncertain significance for Autosomal recessive limb-girdle muscular dystrophy type 2Q; Epidermolysis bullosa simplex, Ogna type; Epidermolysis bullosa simplex with nail dystrophy; Epidermolysis bullosa simplex 5C, with pyloric atresia; Epidermolysis bullosa simplex 5B, with muscular dystrophy. Last evaluated: 2025-08-25. Review status: criteria provided, single submitter. Criteria: Invitae Variant Classification Sherloc (09022015). Collection method: clinical testing. Allele origin: germline.
Comment: This sequence change replaces alanine, which is neutral and non-polar, with valine, which is neutral and non-polar, at codon 2318 of the PLEC protein (p.Ala2318Val). This variant is present in population databases (rs547807861, gnomAD 0.01%). This variant has not been reported in the literature in individuals affected with PLEC-related conditions. ClinVar contains an entry for this variant (Variation ID: 538981). An algorithm developed to predict the effect of missense changes on protein structure and function (PolyPhen-2) suggests that this variant is likely to be disruptive. In summary, the available evidence is currently insufficient to determine the role of this variant in disease. Therefore, it has been classified as a Variant of Uncertain Significance.

Ambry Genetics
Classification: Uncertain significance for Inborn genetic diseases. Last evaluated: 2025-04-14. Review status: criteria provided, single submitter. Criteria: Ambry Variant Classification Scheme 2023. Collection method: clinical testing. Allele origin: germline.

Revvity Omics, Revvity
Classification: Uncertain significance. Last evaluated: 2024-04-26. Review status: criteria provided, single submitter. Criteria: ACMG Guidelines, 2015. Collection method: clinical testing. Allele origin: germline.

NM_201384.3(PLEC):c.6872C>T (p.Ala2291Val)

Gene: PLEC (plectin; minus strand). Cytogenetic location: 8q24.3.
Variant type: single nucleotide variant.
Coding change: c.6872C>T on transcript NM_201384.3 (MANE Select); coding-DNA position 6872, C replaced by T.
Protein change: p.Ala2291Val; replaces alanine 2291 with valine.
Molecular consequence: missense variant.
Genome position (GRCh38, 1-based): chr8:143,923,057, G>A on the plus strand (C>T on the coding strand, the complement: PLEC is on the minus strand). VCF-style: chr8-143923057-G-A. GRCh37 (hg19) VCF-style: chr8-144997225-G-A.
Other names: c.6953C>T (NM_000445.3); c.6953C>T, p.Ala2318Val (NM_000445.5); c.6830C>T, p.Ala2277Val (NM_201378.4); c.6806C>T, p.Ala2269Val (NM_201379.3); c.7283C>T, p.Ala2428Val (NM_201380.4); c.6776C>T, p.Ala2259Val (NM_201381.3); c.6872C>T, p.Ala2291Val (NM_201382.4); c.6884C>T, p.Ala2295Val (NM_201383.3); short protein forms A2269V, A2259V, A2295V, A2318V, A2277V, A2291V, A2428V.
Identifiers: ClinVar variation 538981 (VCV000538981.9), dbSNP rs547807861, ClinGen allele CA4925821.